The following is an entry in ClinVar:

ClinVar aggregate classification (germline): Benign/Likely benign. Review status: criteria provided, multiple submitters, no conflicts (2 of 4 stars). 9 submissions from 9 submitters: Benign (5); Likely benign (1). 3 of the submissions do not count toward it. Last evaluated 2026-01-28.

Conditions:
Catecholaminergic polymorphic ventricular tachycardia 1. Also called: VENTRICULAR TACHYCARDIA, CATECHOLAMINERGIC POLYMORPHIC, 1, WITH OR WITHOUT ATRIAL DYSFUNCTION AND/OR DILATED CARDIOMYOPATHY; VENTRICULAR TACHYCARDIA, STRESS-INDUCED POLYMORPHIC 1; RYR2-Related Catecholaminergic Polymorphic Ventricular Tachycardia. Identifiers: Orphanet 3286, MedGen C1631597, MONDO:0011484, OMIM 604772.

Allele frequency attached by ClinVar (database versions not stated): gnomAD exomes 0.00014 and 0.00044; ExAC 0.00054; ESP Exome Variant Server 0.00145; gnomAD 0.00146 and 0.00153; TOPMed 0.00165; 1000 Genomes Project 0.00280; 1000 Genomes Project 30x 0.00297.
gnomAD v4.1: 421 of 1,596,954 alleles (0.026%); highest among the groups gnomAD compares: African/African-American, 0.51%; 1 homozygote.

Submissions (9):

Labcorp Genetics (formerly Invitae), Labcorp
Classification: Benign for Catecholaminergic polymorphic ventricular tachycardia 1. Last evaluated: 2026-01-28. Review status: criteria provided, single submitter. Criteria: Invitae Variant Classification Sherloc (09022015). Collection method: clinical testing. Allele origin: germline.

ARUP Laboratories, Molecular Genetics and Genomics, ARUP Laboratories
Classification: Benign. Last evaluated: 2025-06-25. Review status: criteria provided, single submitter. Criteria: ARUP Molecular Germline Variant Investigation Process 2024. Collection method: clinical testing. Allele origin: germline.

Blueprint Genetics
Classification: Likely benign. Last evaluated: 2024-09-13. Review status: criteria provided, single submitter. Criteria: ACMG Guidelines, 2015. Collection method: clinical testing. Allele origin: germline.

Women's Health and Genetics/Laboratory Corporation of America, LabCorp
Classification: Benign. Last evaluated: 2020-09-08. Review status: criteria provided, single submitter. Criteria: LabCorp Variant Classification Summary - May 2015. Collection method: clinical testing. Allele origin: germline.
Comment: Variant summary: RYR2 c.4596+12G>A alters a non-conserved nucleotide located close to a canonical splice site and therefore could affect mRNA splicing, leading to a significantly altered protein sequence. 4/4 computational tools predict no significant impact on normal splicing. However, these predictions have yet to be confirmed by functional studies. The variant allele was found at a frequency of 0.00058 in 262302 control chromosomes, predominantly at a frequency of 0.006 within the African or African-American subpopulation in the gnomAD database. The observed variant frequency within African or African-American control individuals in the gnomAD database is approximately 175 fold of the estimated maximal expected allele frequency for a pathogenic variant in RYR2 causing Catecholaminergic Polymorphic Ventricular Tachycardia phenotype (3.4e-05), strongly suggesting that the variant is a benign polymorphism found primarily in populations of African or African-American origin. To our knowledge, no occurrence of c.4596+12G>A in individuals affected with Catecholaminergic Polymorphic Ventricular Tachycardia and no experimental evidence demonstrating its impact on protein function have been reported. One ClinVar submitter (evaluation after 2014) cites the variant as likely benign. Based on the evidence outlined above, the variant was classified as benign.

GeneDx
Classification: Benign. Last evaluated: 2015-03-03. Review status: criteria provided, single submitter. Criteria: GeneDx Variant Classification Process June 2021. Collection method: clinical testing. Allele origin: germline. Affected: yes.

Laboratory for Molecular Medicine, Mass General Brigham Personalized Medicine
Classification: Benign. Last evaluated: 2012-03-19. Review status: criteria provided, single submitter. Criteria: LMM Criteria. Collection method: clinical testing. Allele origin: germline. Observed: 6 variant alleles.
Comment: c.4596+12G>A in Intron 34 of RYR2: This variant is not expected to have clinical significance because it is not located within the splice consensus sequence and has been identified in 0.5% (17/3368) of African American chromosomes from a br oad population by the NHLBI Exome Sequencing Project (du/EVS; dbSNP rs148557427).

Clinical Genetics, Academic Medical Center
Classification: Benign. Review status: no assertion criteria provided. Collection method: clinical testing. Allele origin: germline. Affected: yes. Study: VKGL Data-share Consensus. Not counted in ClinVar's aggregate classification.

Diagnostic Laboratory, Department of Genetics, University Medical Center Groningen
Classification: Likely benign. Review status: no assertion criteria provided. Collection method: clinical testing. Allele origin: germline. Affected: yes. Study: VKGL Data-share Consensus. Not counted in ClinVar's aggregate classification.

Genome Diagnostics Laboratory, University Medical Center Utrecht
Classification: Likely benign. Review status: no assertion criteria provided. Collection method: clinical testing. Allele origin: germline. Affected: yes. Study: VKGL Data-share Consensus. Not counted in ClinVar's aggregate classification.

NM_001035.3(RYR2):c.4596+12G>A

Gene: RYR2 (ryanodine receptor 2; plus strand). Cytogenetic location: 1q43.
Variant type: single nucleotide variant.
Coding change: c.4596+12G>A on transcript NM_001035.3 (MANE Select); 12 bases into the intron after coding-DNA position 4596, G replaced by A.
Molecular consequence: intron variant.
Genome position (GRCh38, 1-based): chr1:237,595,669, G>A. VCF-style: chr1-237595669-G-A. GRCh37 (hg19) VCF-style: chr1-237758969-G-A.
Identifiers: ClinVar variation 43784 (VCV000043784.68), dbSNP rs148557427, ClinGen allele CA009571.